The following is an entry in ClinVar:

ClinVar aggregate classification (germline): Likely pathogenic (1 of 4 stars; one submission).

Conditions:
Neurodevelopmental disorder with or without autism or seizures (NEDAUS). Identifiers: MedGen C5543225, MONDO:0030994, OMIM 619239.

Submission:

Variantyx, Inc.
Classification: Likely pathogenic for Neurodevelopmental disorder with or without autism or seizures. Last evaluated: 2025-12-30. Review status: criteria provided, single submitter. Criteria: Variantyx Assertion Criteria 2022. Collection method: clinical testing. Allele origin: germline. Inheritance: Autosomal dominant inheritance. Affected: yes.
Comment: This is a frameshift variant in the CUL3 gene (OMIM: 603136). Pathogenic variants in this gene have been associated with autosomal dominant neurodevelopmental disorder with or without autism or seizures. This variant introduces a premature termination codon in exon 14 out of 16 and is expected to result in loss of function, which is a known disease mechanism for CUL3 in this disorder (PMID: 32341456) (PVS1). This variant is absent from control populations (PM2), and it has not been reported in individuals with CUL3-related disorders in the databases available for review. Based on the current evidence, this variant is classified as likely pathogenic for autosomal dominant neurodevelopmental disorder with or without autism or seizures.

Literature cited by the submitters: PubMed 32341456.

NM_003590.5(CUL3):c.1970del (p.His657fs)

Gene: CUL3 (cullin 3; minus strand). Cytogenetic location: 2q36.2.
Variant type: Deletion.
Coding change: c.1970del on transcript NM_003590.5 (MANE Select); coding-DNA position 1970, one base deleted (A; older notation c.1970delA).
Protein change: p.His657fs; shifts the reading frame from histidine 657.
Molecular consequence: frameshift variant.
Genome position (GRCh38, 1-based): chr2:224,481,951, T deleted on the plus strand (A on the coding strand, the reverse complement: CUL3 is on the minus strand). VCF-style (leftmost placement, unchanged base first): chr2-224481950-AT-A. GRCh37 (hg19) VCF-style: chr2-225346667-AT-A.
Other names: c.1772del, p.His591fs (NM_001257197.2); c.1988del, p.His663fs (NM_001257198.2); short protein forms H591fs, H657fs, H663fs.
Identifiers: ClinVar variation 4852197 (VCV004852197.1).